The following is an entry in ClinVar:

ClinVar aggregate classification (germline): Likely benign. Review status: criteria provided, multiple submitters, no conflicts (2 of 4 stars). 5 submissions from 5 submitters: Likely benign (5). Last evaluated 2026-01-12.

Conditions:
Hypercholesterolemia, autosomal dominant, 3 (FHCL3). Also called: PCSK9-Related Familial Hypercholesterolemia, Autosomal Dominant; Familial Hypercholesterolemia, Autosomal Dominant, 3; Familial hypercholesterolemia 3. Identifiers: MedGen C1863551, MONDO:0011369, OMIM 603776.
Familial hypercholesterolemia. Also called: Familial hypercholesterolaemia; Familial hypercholesterolemias. Identifiers: MedGen C0020445, MONDO:0005439.
Cardiovascular phenotype. Identifiers: MedGen CN230736.

Allele frequency attached by ClinVar (database versions not stated): gnomAD 0.00001; gnomAD exomes 0.00001; TOPMed 0.00001; ExAC 0.00002.
gnomAD v4.1: 6 of 1,614,076 alleles (0.00037%); highest among the groups gnomAD compares: South Asian, 0.0011%; no homozygotes.

Submissions (5):

Labcorp Genetics (formerly Invitae), Labcorp
Classification: Likely benign for Hypercholesterolemia, autosomal dominant, 3. Last evaluated: 2026-01-12. Review status: criteria provided, single submitter. Criteria: Invitae Variant Classification Sherloc (09022015). Collection method: clinical testing. Allele origin: germline.

Blueprint Genetics
Classification: Likely benign. Last evaluated: 2023-11-29. Review status: criteria provided, single submitter. Criteria: ACMG Guidelines, 2015. Collection method: clinical testing. Allele origin: germline.

Ambry Genetics
Classification: Likely benign for Cardiovascular phenotype. Last evaluated: 2023-11-26. Review status: criteria provided, single submitter. Criteria: Ambry Variant Classification Scheme 2023. Collection method: clinical testing. Allele origin: germline.

All of Us Research Program, National Institutes of Health
Classification: Likely benign for Hypercholesterolemia, autosomal dominant, 3. Last evaluated: 2023-04-03. Review status: criteria provided, single submitter. Criteria: ACMG Guidelines, 2015. Collection method: clinical testing. Allele origin: germline. Inheritance: Autosomal dominant inheritance. Observed: 1 variant allele, 1 heterozygote.
Comment: This study involves interpretation of variants in research participants for the purpose of population health screening. Participant phenotype was not available at the time of variant classification. Additional details can be found in publication PMID: 35346344, PMCID: PMC8962531

Color Diagnostics, LLC DBA Color Health
Classification: Likely benign for Familial hypercholesterolemia. Last evaluated: 2021-11-18. Review status: criteria provided, single submitter. Criteria: ACMG Guidelines, 2015. Collection method: clinical testing. Allele origin: germline.

NM_174936.4(PCSK9):c.447C>T (p.Val149=)

Gene: PCSK9 (proprotein convertase subtilisin/kexin type 9; plus strand). Cytogenetic location: 1p32.3.
Variant type: single nucleotide variant.
Coding change: c.447C>T on transcript NM_174936.4 (MANE Select); coding-DNA position 447, C replaced by T.
Protein change: p.Val149=; no amino-acid change (valine 149 retained).
Molecular consequence: synonymous variant.
Genome position (GRCh38, 1-based): chr1:55,046,570, C>T. VCF-style: chr1-55046570-C-T. GRCh37 (hg19) VCF-style: chr1-55512243-C-T.
Identifiers: ClinVar variation 749126 (VCV000749126.13), dbSNP rs758997842, ClinGen allele CA042327.